The following is an entry in ClinVar:

ClinVar aggregate classification (germline): Likely benign (1 of 4 stars; one submission).

gnomAD v4.1: 6 of 1,210,859 alleles (0.0005%); highest among the groups gnomAD compares: Admixed American, 0.013%; no homozygotes.

Submission:

CeGaT Center for Human Genetics Tuebingen
Classification: Likely benign. Last evaluated: 2026-02-01. Review status: criteria provided, single submitter. Criteria: CeGaT Center For Human Genetics Tuebingen Variant Classification Criteria Version 2. Collection method: clinical testing. Allele origin: germline. Affected: yes. Observed: 1 variant allele.
Comment: KIF4A: PM2, BP4, BS2

NM_012310.5(KIF4A):c.3590C>T (p.Ala1197Val)

Gene: KIF4A (kinesin family member 4A; plus strand). Cytogenetic location: Xq13.1.
Variant type: single nucleotide variant.
Coding change: c.3590C>T on transcript NM_012310.5 (MANE Select); coding-DNA position 3590, C replaced by T.
Protein change: p.Ala1197Val; replaces alanine 1197 with valine.
Molecular consequence: missense variant.
Genome position (GRCh38, 1-based): chrX:70,420,156, C>T. VCF-style: chrX-70420156-C-T. GRCh37 (hg19) VCF-style: chrX-69640006-C-T.
Other names: short protein forms A1197V.
Identifiers: ClinVar variation 4823395 (VCV004823395.4).